The following is an entry in ClinVar:

ClinVar aggregate classification (germline): Uncertain significance (1 of 4 stars; one submission).

Submission:

Labcorp Genetics (formerly Invitae), Labcorp
Classification: Uncertain significance. Last evaluated: 2024-11-11. Review status: criteria provided, single submitter. Criteria: Invitae Variant Classification Sherloc (09022015). Collection method: clinical testing. Allele origin: germline.
Comment: This sequence change replaces tyrosine, which is neutral and polar, with cysteine, which is neutral and slightly polar, at codon 527 of the IFNAR1 protein (p.Tyr527Cys). This variant is not present in population databases (gnomAD no frequency). This variant has not been reported in the literature in individuals affected with IFNAR1-related conditions. An algorithm developed to predict the effect of missense changes on protein structure and function outputs the following: PolyPhen-2: "Benign". The cysteine amino acid residue is found in multiple mammalian species, which suggests that this missense change does not adversely affect protein function. In summary, the available evidence is currently insufficient to determine the role of this variant in disease. Therefore, it has been classified as a Variant of Uncertain Significance.

NM_000629.3(IFNAR1):c.1580A>G (p.Tyr527Cys)

Gene: IFNAR1 (interferon alpha and beta receptor subunit 1; plus strand). Cytogenetic location: 21q22.11.
Variant type: single nucleotide variant.
Coding change: c.1580A>G on transcript NM_000629.3 (MANE Select); coding-DNA position 1580, A replaced by G.
Protein change: p.Tyr527Cys; replaces tyrosine 527 with cysteine.
Molecular consequence: missense variant. On other transcripts: 3 prime UTR variant (1).
Genome position (GRCh38, 1-based): chr21:33,355,455, A>G. VCF-style: chr21-33355455-A-G. GRCh37 (hg19) VCF-style: chr21-34727761-A-G.
Other names: c.1580A>G, p.Tyr527Cys (NM_001384498.1); c.*129A>G (NM_001384499.1); c.818A>G, p.Tyr273Cys (NM_001384500.1); c.1550A>G, p.Tyr517Cys (NM_001384501.1); c.1118A>G, p.Tyr373Cys (NM_001384502.1); c.1565A>G, p.Tyr522Cys (NM_001384503.1); c.1373A>G, p.Tyr458Cys (NM_001384504.1); short protein forms Y522C, Y273C, Y527C, Y517C, Y373C, Y458C.
Identifiers: ClinVar variation 3724987 (VCV003724987.2).